The following is an entry in ClinVar:

NM_004387.4(NKX2-5):c.707C>A (p.Pro236His)

Gene: NKX2-5 (NK2 homeobox 5; minus strand). Cytogenetic location: 5q35.1.
Variant type: single nucleotide variant.
Coding change: c.707C>A on transcript NM_004387.4 (MANE Select); coding-DNA position 707, C replaced by A.
Protein change: p.Pro236His; replaces proline 236 with histidine.
Molecular consequence: missense variant. On other transcripts: 3 prime UTR variant (2).
Genome position (GRCh38, 1-based): chr5:173,232,837, G>T on the plus strand (C>A on the coding strand, the complement: NKX2-5 is on the minus strand). VCF-style: chr5-173232837-G-T. GRCh37 (hg19) VCF-style: chr5-172659840-G-T.
Other names: c.*660C>A (NM_001166175.2); c.*506C>A (NM_001166176.2); short protein forms P236H.
Identifiers: ClinVar variation 39433 (VCV000039433.6), dbSNP rs397515399, ClinGen allele CA130288.

ClinVar aggregate classification (germline): Conflicting classifications of pathogenicity. Review status: criteria provided, conflicting classifications (1 of 4 stars). 3 submissions from 3 submitters: Likely pathogenic (1); Uncertain significance (1). 1 of the submissions does not count toward it. Last evaluated 2023-10-31.

Conditions:
Cardiovascular phenotype. Identifiers: MedGen CN230736.
Familial isolated congenital asplenia. Also called: ASPLENIA, FAMILIAL; HYPOSPLENIA, ISOLATED CONGENITAL; Asplenia, isolated congenital. Identifiers: Orphanet 101351, MedGen C0685889, MONDO:0010066, OMIM 271400.

Allele frequency attached by ClinVar (database versions not stated): gnomAD exomes below 0.00001; ExAC 0.00001; gnomAD 0.00001; TOPMed 0.00001.
gnomAD v4.1: 2 of 1,611,882 alleles (0.00012%); highest among the groups gnomAD compares: African/African-American, 0.0027%; no homozygotes.

Submissions (3):

Ambry Genetics
Classification: Uncertain significance for Cardiovascular phenotype. Last evaluated: 2023-10-31. Review status: criteria provided, single submitter. Criteria: Ambry Variant Classification Scheme 2023. Collection method: clinical testing. Allele origin: germline.
Comment: The p.P236H variant (also known as c.707C>A), located in coding exon 2 of the NKX2-5 gene, results from a C to A substitution at nucleotide position 707. The proline at codon 236 is replaced by histidine, an amino acid with similar properties. This variant has been detected in a kindred with isolated congenital asplenia and without know congenital heart disease. Functional studies from the same group indicated this variant may impair transactivation by NKX2-5 (Koss M et al. Dev Cell, 2012 May;22:913-26). This amino acid position is not well conserved in available vertebrate species. In addition, the in silico prediction for this alteration is inconclusive. Since supporting evidence is limited at this time, the clinical significance of this alteration remains unclear.

GeneDx
Classification: Likely pathogenic. Last evaluated: 2019-11-27. Review status: criteria provided, single submitter. Criteria: GeneDx Variant Classification Process June 2021. Collection method: clinical testing. Allele origin: germline. Affected: yes.
Comment: Published functional studies demonstrate a damaging effect with reduced transactivation within the Pbx/Nkx2-5/p15 regulatory module for spleen development (Koss et al., 2012); Not observed at a significant frequency in large population cohorts (Lek et al., 2016); In silico analysis, which includes protein predictors and evolutionary conservation, supports a deleterious effect; Identified in a patient with isolated congenital asplenia and segregated with this phenotype in two relatives (Mahlaoui et al., 2011; Koss et al., 2012); This variant is associated with the following publications: (PMID: 20846672, 22560297)

OMIM
Classification: Uncertain significance for RECLASSIFIED - VARIANT OF UNKNOWN SIGNIFICANCE. Last evaluated: 2013-05-24. Review status: no assertion criteria provided. Collection method: literature only. Allele origin: germline. Not counted in ClinVar's aggregate classification.

Literature cited by the submitters: PubMed 22560297 (cited by Ambry Genetics and OMIM); PubMed 23579497 (cited by OMIM); PubMed 20846672 (cited by OMIM).